The following is an entry in ClinVar:

ClinVar aggregate classification (germline): Likely benign. Review status: criteria provided, single submitter (1 of 4 stars). 2 submissions from 2 submitters: Likely benign (1). 1 of the submissions does not count toward it. Last evaluated 2025-07-01.

Conditions:
HDAC4-related disorder. Also called: HDAC4-related condition.

Allele frequency attached by ClinVar (database versions not stated): ExAC 0.00002; TOPMed 0.00002; gnomAD 0.00005.
gnomAD v4.1: 78 of 1,613,912 alleles (0.0048%); highest among the groups gnomAD compares: African/African-American, 0.025%; no homozygotes.

Submissions (2):

CeGaT Center for Human Genetics Tuebingen
Classification: Likely benign. Last evaluated: 2025-07-01. Review status: criteria provided, single submitter. Criteria: CeGaT Center For Human Genetics Tuebingen Variant Classification Criteria Version 2. Collection method: clinical testing. Allele origin: germline. Affected: yes. Observed: 2 variant alleles.
Comment: HDAC4: BP4, BP7

PreventionGenetics, part of Exact Sciences
Classification: Likely benign for HDAC4-related condition. Last evaluated: 2019-02-21. Review status: no assertion criteria provided. Collection method: clinical testing. Allele origin: germline. Not counted in ClinVar's aggregate classification.
Comment: This variant is classified as likely benign based on ACMG/AMP sequence variant interpretation guidelines (Richards et al. 2015 PMID: 25741868, with internal and published modifications).

NM_001378414.1(HDAC4):c.954C>T (p.Pro318=)

Gene: HDAC4 (histone deacetylase 4; minus strand). Cytogenetic location: 2q37.3.
Variant type: single nucleotide variant.
Coding change: c.954C>T on transcript NM_001378414.1 (MANE Select); coding-DNA position 954, C replaced by T.
Protein change: p.Pro318=; no amino-acid change (proline 318 retained).
Molecular consequence: synonymous variant.
Genome position (GRCh38, 1-based): chr2:239,139,708, G>A on the plus strand (C>T on the coding strand, the complement: HDAC4 is on the minus strand). VCF-style: chr2-239139708-G-A. GRCh37 (hg19) VCF-style: chr2-240061404-G-A.
Other names: c.954C>T (NM_006037.3); c.954C>T, p.Pro318= (NM_001378415.1, NM_001378416.1, NM_001378417.1 and 1 more transcripts).
Identifiers: ClinVar variation 2652078 (VCV002652078.25), dbSNP rs748254701, ClinGen allele CA2199997.
Genomic context (GRCh38, chr2:239,139,708, plus strand): 5'-TAGCCGTAGGACACAGGACAAACGCTTCGCACTGACCTCCGCCGGGATGCTGGGGACGGC[G>A]GGCGCGATACCGTTCTCCGCGCTGACGCTCCCGGAGCTGTTGTTGGGTGAGCTGGGTCCG-3'
Protein context (NP_001365343.1, residues 308-328): GSVSAENGIA[Pro318=]AVPSIPAETS